The following is an entry in ClinVar:

ClinVar aggregate classification (germline): Uncertain significance (1 of 4 stars; one submission).

Conditions:
Imerslund-Grasbeck syndrome. Also called: ENTEROCYTE COBALAMIN MALABSORPTION; ENTEROCYTE INTRINSIC FACTOR RECEPTOR, DEFECT OF; Imerslund-Gräsbeck syndrome; Megaloblastic anemia due to inborn errors of metabolism; PERNICIOUS ANEMIA, JUVENILE, DUE TO SELECTIVE INTESTINAL MALABSORPTION OF VITAMIN B12, WITH PROTEINURIA. Identifiers: Orphanet 35858, MedGen C4551825, MONDO:0009853.

gnomAD v4.1: 6 of 1,614,208 alleles (0.00037%); highest among the groups gnomAD compares: Admixed American, 0.01%; no homozygotes.

Submission:

Labcorp Genetics (formerly Invitae), Labcorp
Classification: Uncertain significance for Imerslund-Grasbeck syndrome. Last evaluated: 2024-01-24. Review status: criteria provided, single submitter. Criteria: Invitae Variant Classification Sherloc (09022015). Collection method: clinical testing. Allele origin: germline.
Comment: This sequence change replaces proline, which is neutral and non-polar, with serine, which is neutral and polar, at codon 208 of the CUBN protein (p.Pro208Ser). This variant is present in population databases (rs371313784, gnomAD 0.02%). This variant has not been reported in the literature in individuals affected with CUBN-related conditions. ClinVar contains an entry for this variant (Variation ID: 2117945). Advanced modeling of protein sequence and biophysical properties (such as structural, functional, and spatial information, amino acid conservation, physicochemical variation, residue mobility, and thermodynamic stability) performed at Invitae indicates that this missense variant is not expected to disrupt CUBN protein function with a negative predictive value of 80%. In summary, the available evidence is currently insufficient to determine the role of this variant in disease. Therefore, it has been classified as a Variant of Uncertain Significance.

NM_001081.4(CUBN):c.622C>T (p.Pro208Ser)

Genes: CUBN (cubilin; minus strand), LOC126860871 (MED14-independent group 3 enhancer GRCh37_chr10:17157167-17158366; plus strand). Cytogenetic location: 10p13.
Variant type: single nucleotide variant.
Coding change: c.622C>T on transcript NM_001081.4 (MANE Select); coding-DNA position 622, C replaced by T.
Protein change: p.Pro208Ser; replaces proline 208 with serine.
Molecular consequence: missense variant.
Genome position (GRCh38, 1-based): chr10:17,115,569, G>A on the plus strand (C>T on the coding strand, the complement: CUBN is on the minus strand). VCF-style: chr10-17115569-G-A. GRCh37 (hg19) VCF-style: chr10-17157568-G-A.
Other names: short protein forms P208S.
Identifiers: ClinVar variation 2117945 (VCV002117945.2), dbSNP rs371313784, ClinGen allele CA5425549.